The following is an entry in ClinVar:

NM_001429.4(EP300):c.6983C>T (p.Ser2328Phe)

Gene: EP300 (EP300 lysine acetyltransferase; plus strand). Cytogenetic location: 22q13.2.
Variant type: single nucleotide variant.
Coding change: c.6983C>T on transcript NM_001429.4 (MANE Select); coding-DNA position 6983, C replaced by T.
Protein change: p.Ser2328Phe; replaces serine 2328 with phenylalanine.
Molecular consequence: missense variant.
Genome position (GRCh38, 1-based): chr22:41,178,694, C>T. VCF-style: chr22-41178694-C-T. GRCh37 (hg19) VCF-style: chr22-41574698-C-T.
Other names: c.6905C>T, p.Ser2302Phe (NM_001362843.2); short protein forms S2302F, S2328F.
Identifiers: ClinVar variation 3703012 (VCV003703012.2).

ClinVar aggregate classification (germline): Uncertain significance (1 of 4 stars; one submission).

Conditions:
Rubinstein-Taybi syndrome due to EP300 haploinsufficiency. Also called: RUBINSTEIN-TAYBI SYNDROME 2; EP300-Related Rubinstein-Taybi Syndrome. Identifiers: Orphanet 353284, Orphanet 783, MedGen C3150941, MONDO:0013364, OMIM 613684.

gnomAD v4.1: 2 of 1,614,192 alleles (0.00012%); highest among the groups gnomAD compares: Non-Finnish European, 0.00017%; no homozygotes.

Submission:

Labcorp Genetics (formerly Invitae), Labcorp
Classification: Uncertain significance for Rubinstein-Taybi syndrome due to EP300 haploinsufficiency. Last evaluated: 2025-02-01. Review status: criteria provided, single submitter. Criteria: Invitae Variant Classification Sherloc (09022015). Collection method: clinical testing. Allele origin: germline.
Comment: This sequence change replaces serine, which is neutral and polar, with phenylalanine, which is neutral and non-polar, at codon 2328 of the EP300 protein (p.Ser2328Phe). This variant is not present in population databases (gnomAD no frequency). This variant has not been reported in the literature in individuals affected with EP300-related conditions. Invitae Evidence Modeling of protein sequence and biophysical properties (such as structural, functional, and spatial information, amino acid conservation, physicochemical variation, residue mobility, and thermodynamic stability) indicates that this missense variant is expected to disrupt EP300 protein function with a positive predictive value of 80%. In summary, the available evidence is currently insufficient to determine the role of this variant in disease. Therefore, it has been classified as a Variant of Uncertain Significance.